The following is an entry in ClinVar:

NM_002474.3(MYH11):c.2190C>G (p.Ile730Met)

Gene: MYH11 (myosin heavy chain 11; minus strand). Cytogenetic location: 16p13.11.
Variant type: single nucleotide variant.
Coding change: c.2190C>G on transcript NM_002474.3 (MANE Select); coding-DNA position 2190, C replaced by G.
Protein change: p.Ile730Met; replaces isoleucine 730 with methionine.
Molecular consequence: missense variant.
Genome position (GRCh38, 1-based): chr16:15,747,934, G>C on the plus strand (C>G on the coding strand, the complement: MYH11 is on the minus strand). VCF-style: chr16-15747934-G-C. GRCh37 (hg19) VCF-style: chr16-15841791-G-C.
Other names: c.2211C>G, p.Ile737Met (NM_001040113.2, NM_001040114.2); c.2190C>G, p.Ile730Met (NM_022844.3); short protein forms I730M, I737M.
Identifiers: ClinVar variation 3073173 (VCV003073173.1), dbSNP rs2506271062, ClinGen allele CA394867844.

ClinVar aggregate classification (germline): Uncertain significance (1 of 4 stars; one submission).

Conditions:
Familial thoracic aortic aneurysm and aortic dissection (TAAD). Also called: Thoracic aortic aneurysms and dissections. Identifiers: Orphanet 91387, MedGen C4707243, MONDO:0019625.

Submission:

All of Us Research Program, National Institutes of Health
Classification: Uncertain significance for Familial thoracic aortic aneurysm and aortic dissection. Last evaluated: 2023-08-28. Review status: criteria provided, single submitter. Criteria: ACMG Guidelines, 2015. Collection method: clinical testing. Allele origin: germline. Inheritance: Autosomal dominant inheritance. Observed: 1 variant allele, 1 heterozygote.
Comment: This missense variant replaces isoleucine with methionine at codon 737 of the MYH11 protein. Computational prediction suggests that this variant may have deleterious impact on protein structure and function (internally defined REVEL score threshold >= 0.7, PMID: 27666373). To our knowledge, functional studies have not been reported for this variant. This variant has not been reported in individuals affected with MYH11-related disorders in the literature. This variant has not been identified in the general population by the Genome Aggregation Database (gnomAD). The available evidence is insufficient to determine the role of this variant in disease conclusively. Therefore, this variant is classified as a Variant of Uncertain Significance.

This study involves interpretation of variants in research participants for the purpose of population health screening. Participant phenotype was not available at the time of variant classification. Additional details can be found in publication PMID: 35346344, PMCID: PMC8962531